The following is an entry in ClinVar:

ClinVar aggregate classification (germline): Pathogenic. Review status: criteria provided, multiple submitters, no conflicts (2 of 4 stars). 3 submissions from 3 submitters: Pathogenic (2). 1 of the submissions does not count toward it. Last evaluated 2025-10-02.

Conditions:
Congenital secretory diarrhea, chloride type (DIAR1). Also called: DIARRHEA 1, SECRETORY CHLORIDE, CONGENITAL; CHLORIDORRHEA, CONGENITAL; CHLORIDE DIARRHEA, CONGENITAL, FINNISH TYPE. Identifiers: Orphanet 53689, MedGen C0267662, MONDO:0008964, OMIM 214700.

gnomAD v4.1: 2 of 1,613,914 alleles (0.00012%); highest among the groups gnomAD compares: Non-Finnish European, 0.00017%; no homozygotes.

Submissions (3):

Labcorp Genetics (formerly Invitae), Labcorp
Classification: Pathogenic. Last evaluated: 2025-10-02. Review status: criteria provided, single submitter. Criteria: Invitae Variant Classification Sherloc (09022015). Collection method: clinical testing. Allele origin: germline.
Comment: This sequence change creates a premature translational stop signal (p.Tyr305*) in the SLC26A3 gene. It is expected to result in an absent or disrupted protein product. Loss-of-function variants in SLC26A3 are known to be pathogenic (PMID: 9718329, 21394828). The frequency data for this variant in the population databases is considered unreliable, as metrics indicate poor data quality at this position in the gnomAD database. This premature translational stop signal has been observed in individual(s) with congenital chloride diarrhea (PMID: 9554749). ClinVar contains an entry for this variant (Variation ID: 56009). Algorithms developed to predict the effect of sequence changes on RNA splicing suggest that this variant may disrupt the consensus splice site. For these reasons, this variant has been classified as Pathogenic.

Fulgent Genetics
Classification: Pathogenic for Congenital secretory diarrhea, chloride type. Last evaluated: 2024-05-02. Review status: criteria provided, single submitter. Criteria: ACMG Guidelines, 2015. Collection method: clinical testing. Allele origin: germline.

Juha Muilu Group; Institute for Molecular Medicine Finland (FIMM)
Classification: Likely pathogenic for Congenital secretory diarrhea, chloride type. Review status: no assertion criteria provided. Collection method: not provided. Allele origin: unknown. Not counted in ClinVar's aggregate classification.
Comment: FinDis database variant: This variant was not found or characterized by our laboratory, data were collected from public sources: see reference
ClinVar note: Converted during submission from probable-pathogenic to Likely pathogenic.

Literature cited by the submitters: PubMed 9718329 (cited by Labcorp Genetics (formerly Invitae), Labcorp); PubMed 21394828 (cited by Labcorp Genetics (formerly Invitae), Labcorp); PubMed 9554749 (cited by Labcorp Genetics (formerly Invitae), Labcorp).

NM_000111.3(SLC26A3):c.915C>A (p.Tyr305Ter)

Gene: SLC26A3 (solute carrier family 26 member 3; minus strand). Cytogenetic location: 7q22.3.
Variant type: single nucleotide variant.
Coding change: c.915C>A on transcript NM_000111.3 (MANE Select); coding-DNA position 915, C replaced by A.
Protein change: p.Tyr305Ter; replaces tyrosine 305 with a stop codon.
Molecular consequence: nonsense.
Genome position (GRCh38, 1-based): chr7:107,786,883, G>T on the plus strand (C>A on the coding strand, the complement: SLC26A3 is on the minus strand). VCF-style: chr7-107786883-G-T. GRCh37 (hg19) VCF-style: chr7-107427328-G-T.
Other names: short protein forms Y305*.
Identifiers: ClinVar variation 56009 (VCV000056009.6), dbSNP rs386833490, ClinGen allele CA144115.